The following is an entry in ClinVar:

NM_000702.4(ATP1A2):c.1769A>G (p.Asp590Gly)

Gene: ATP1A2 (ATPase Na+/K+ transporting subunit alpha 2; plus strand). Cytogenetic location: 1q23.2.
Variant type: single nucleotide variant.
Coding change: c.1769A>G on transcript NM_000702.4 (MANE Select); coding-DNA position 1769, A replaced by G.
Protein change: p.Asp590Gly; replaces aspartic acid 590 with glycine.
Molecular consequence: missense variant.
Genome position (GRCh38, 1-based): chr1:160,130,539, A>G. VCF-style: chr1-160130539-A-G. GRCh37 (hg19) VCF-style: chr1-160100329-A-G.
Other names: short protein forms D590G.
Identifiers: ClinVar variation 2847226 (VCV002847226.3), dbSNP rs1570990507, ClinGen allele CA343244391.
Genomic context (GRCh38, chr1:160,130,539, plus strand): 5'-CGGATGAGCTGAACTTTCCCACGGAGAAGCTTTGCTTTGTGGGGCTCATGTCTATGATTG[A>G]CCCTCCCCGGGCTGCTGTGCCAGATGCTGTGGGCAAGTGCCGAAGCGCAGGCATCAAGGT-3'
Protein context (NP_000693.1, residues 580-600): LCFVGLMSMI[Asp590Gly]PPRAAVPDAV

ClinVar aggregate classification (germline): Uncertain significance (1 of 4 stars; one submission).

Conditions:
Familial hemiplegic migraine. Identifiers: MedGen C0338484, MONDO:0000700.

Submission:

Labcorp Genetics (formerly Invitae), Labcorp
Classification: Uncertain significance for Familial hemiplegic migraine. Last evaluated: 2023-03-18. Review status: criteria provided, single submitter. Criteria: Invitae Variant Classification Sherloc (09022015). Collection method: clinical testing. Allele origin: germline.
Comment: This sequence change replaces aspartic acid, which is acidic and polar, with glycine, which is neutral and non-polar, at codon 590 of the ATP1A2 protein (p.Asp590Gly). This variant is not present in population databases (gnomAD no frequency). This variant has not been reported in the literature in individuals affected with ATP1A2-related conditions. Advanced modeling of protein sequence and biophysical properties (such as structural, functional, and spatial information, amino acid conservation, physicochemical variation, residue mobility, and thermodynamic stability) performed at Invitae indicates that this missense variant is expected to disrupt ATP1A2 protein function. In summary, the available evidence is currently insufficient to determine the role of this variant in disease. Therefore, it has been classified as a Variant of Uncertain Significance.